The following is an entry in ClinVar:

NM_024529.5(CDC73):c.1344G>T (p.Gln448His)

Gene: CDC73 (cell division cycle 73; plus strand). Cytogenetic location: 1q31.2.
Variant type: single nucleotide variant.
Coding change: c.1344G>T on transcript NM_024529.5 (MANE Select); coding-DNA position 1344, G replaced by T.
Protein change: p.Gln448His; replaces glutamine 448 with histidine.
Molecular consequence: missense variant.
Genome position (GRCh38, 1-based): chr1:193,236,283, G>T. VCF-style: chr1-193236283-G-T. GRCh37 (hg19) VCF-style: chr1-193205413-G-T.
Other names: short protein forms Q448H.
Identifiers: ClinVar variation 2743177 (VCV002743177.3), dbSNP rs2527500734, ClinGen allele CA344078148.

ClinVar aggregate classification (germline): Uncertain significance (1 of 4 stars; one submission).

Conditions:
Parathyroid carcinoma (PRTC). Also called: CDC73-Related Parathyroid Carcinoma; Parathyroid gland carcinoma. Identifiers: Orphanet 143, MedGen C0687150, MONDO:0012004, OMIM 608266, HP:0006780.

Submission:

Labcorp Genetics (formerly Invitae), Labcorp
Classification: Uncertain significance for Parathyroid carcinoma. Last evaluated: 2023-07-14. Review status: criteria provided, single submitter. Criteria: Invitae Variant Classification Sherloc (09022015). Collection method: clinical testing. Allele origin: germline.
Comment: In summary, the available evidence is currently insufficient to determine the role of this variant in disease. Therefore, it has been classified as a Variant of Uncertain Significance. Advanced modeling of protein sequence and biophysical properties (such as structural, functional, and spatial information, amino acid conservation, physicochemical variation, residue mobility, and thermodynamic stability) performed at Invitae indicates that this missense variant is not expected to disrupt CDC73 protein function. This variant has not been reported in the literature in individuals affected with CDC73-related conditions. This variant is not present in population databases (gnomAD no frequency). This sequence change replaces glutamine, which is neutral and polar, with histidine, which is basic and polar, at codon 448 of the CDC73 protein (p.Gln448His).